The following is an entry in ClinVar:

ClinVar aggregate classification (germline): Uncertain significance (1 of 4 stars; one submission).

Allele frequency attached by ClinVar (database versions not stated): gnomAD exomes below 0.00001.
gnomAD v4.1: 1 of 1,613,992 alleles (0.000062%); highest among the groups gnomAD compares: Non-Finnish European, 0.000085%; no homozygotes.

Submission:

Labcorp Genetics (formerly Invitae), Labcorp
Classification: Uncertain significance. Last evaluated: 2023-12-11. Review status: criteria provided, single submitter. Criteria: Invitae Variant Classification Sherloc (09022015). Collection method: clinical testing. Allele origin: germline.
Comment: This sequence change replaces phenylalanine, which is neutral and non-polar, with leucine, which is neutral and non-polar, at codon 216 of the KCNH1 protein (p.Phe216Leu). This variant is not present in population databases (gnomAD no frequency). This variant has not been reported in the literature in individuals affected with KCNH1-related conditions. Advanced modeling of protein sequence and biophysical properties (such as structural, functional, and spatial information, amino acid conservation, physicochemical variation, residue mobility, and thermodynamic stability) performed at Invitae indicates that this missense variant is expected to disrupt KCNH1 protein function with a positive predictive value of 95%. In summary, the available evidence is currently insufficient to determine the role of this variant in disease. Therefore, it has been classified as a Variant of Uncertain Significance.

NM_172362.3(KCNH1):c.646T>C (p.Phe216Leu)

Gene: KCNH1 (potassium voltage-gated channel subfamily H member 1; minus strand). Cytogenetic location: 1q32.2.
Variant type: single nucleotide variant.
Coding change: c.646T>C on transcript NM_172362.3 (MANE Select); coding-DNA position 646, T replaced by C.
Protein change: p.Phe216Leu; replaces phenylalanine 216 with leucine.
Molecular consequence: missense variant.
Genome position (GRCh38, 1-based): chr1:211,019,169, A>G on the plus strand (T>C on the coding strand, the complement: KCNH1 is on the minus strand). VCF-style: chr1-211019169-A-G. GRCh37 (hg19) VCF-style: chr1-211192511-A-G.
Other names: c.646T>C, p.Phe216Leu (NM_002238.4); short protein forms F216L.
Identifiers: ClinVar variation 2893829 (VCV002893829.3), dbSNP rs2526596914, ClinGen allele CA344876384.